The following is an entry in ClinVar:

NM_006361.6(HOXB13):c.315C>A (p.Thr105=)

Gene: HOXB13 (homeobox B13; minus strand). Cytogenetic location: 17q21.32.
Variant type: single nucleotide variant.
Coding change: c.315C>A on transcript NM_006361.6 (MANE Select); coding-DNA position 315, C replaced by A.
Protein change: p.Thr105=; no amino-acid change (threonine 105 retained).
Molecular consequence: synonymous variant.
Genome position (GRCh38, 1-based): chr17:48,728,279, G>T on the plus strand (C>A on the coding strand, the complement: HOXB13 is on the minus strand). VCF-style: chr17-48728279-G-T. GRCh37 (hg19) VCF-style: chr17-46805641-G-T.
Identifiers: ClinVar variation 1134556 (VCV001134556.12), dbSNP rs2038235885, ClinGen allele CA500661928.

ClinVar aggregate classification (germline): Benign/Likely benign. Review status: criteria provided, multiple submitters, no conflicts (2 of 4 stars). 3 submissions from 3 submitters: Benign (1); Likely benign (2). Last evaluated 2024-10-29.

Conditions:
Prostate cancer, hereditary, 9 (HPC9). Identifiers: Orphanet 1331, MedGen C1970250, MONDO:0012597, OMIM 610997.
Hereditary cancer-predisposing syndrome. Also called: Neoplastic Syndromes, Hereditary; Hereditary Cancer Syndrome; Tumor predisposition; Hereditary neoplastic syndrome. Identifiers: Orphanet 140162, MedGen C0027672, MeSH D009386, MONDO:0015356.

Allele frequency attached by ClinVar (database versions not stated): gnomAD exomes below 0.00001; TOPMed below 0.00001; gnomAD 0.00001.
gnomAD v4.1: 3 of 1,614,068 alleles (0.00019%); highest among the groups gnomAD compares: Non-Finnish European, 0.00025%; no homozygotes.

Submissions (3):

Myriad Genetics, Inc.
Classification: Benign for Prostate cancer, hereditary, 9. Last evaluated: 2024-10-29. Review status: criteria provided, single submitter. Criteria: Myriad Autosomal Dominant, Autosomal Recessive and X-Linked Classification Criteria (2023). Collection method: clinical testing. Allele origin: unknown.
Comment: This variant is considered benign. This variant is a silent/synonymous amino acid change and it is not expected to impact splicing.

Ambry Genetics
Classification: Likely benign for Hereditary cancer-predisposing syndrome. Last evaluated: 2021-12-01. Review status: criteria provided, single submitter. Criteria: Ambry Variant Classification Scheme 2023. Collection method: clinical testing. Allele origin: germline.

Labcorp Genetics (formerly Invitae), Labcorp
Classification: Likely benign. Last evaluated: 2020-01-14. Review status: criteria provided, single submitter. Criteria: Invitae Variant Classification Sherloc (09022015). Collection method: clinical testing. Allele origin: germline.